The following is an entry in ClinVar:

NM_001128228.3(TPRN):c.2110C>T (p.Arg704Cys)

Gene: TPRN (taperin; minus strand). Cytogenetic location: 9q34.3.
Variant type: single nucleotide variant.
Coding change: c.2110C>T on transcript NM_001128228.3 (MANE Select); coding-DNA position 2110, C replaced by T.
Protein change: p.Arg704Cys; replaces arginine 704 with cysteine.
Molecular consequence: missense variant.
Genome position (GRCh38, 1-based): chr9:137,192,138, G>A on the plus strand (C>T on the coding strand, the complement: TPRN is on the minus strand). VCF-style: chr9-137192138-G-A. GRCh37 (hg19) VCF-style: chr9-140086590-G-A.
Other names: short protein forms R704C.
Identifiers: ClinVar variation 1695717 (VCV001695717.2), dbSNP rs758323082, ClinGen allele CA5362498.

ClinVar aggregate classification (germline): Uncertain significance (1 of 4 stars; one submission).

Allele frequency attached by ClinVar (database versions not stated): gnomAD 0.00001; ExAC 0.00007; TOPMed 0.00002; gnomAD exomes 0.00004.
gnomAD v4.1: 40 of 1,613,492 alleles (0.0025%); highest among the groups gnomAD compares: Non-Finnish European, 0.0028%; no homozygotes.

Submission:

GeneDx
Classification: Uncertain significance. Last evaluated: 2022-01-05. Review status: criteria provided, single submitter. Criteria: GeneDx Variant Classification Process June 2021. Collection method: clinical testing. Allele origin: germline. Affected: yes.
Comment: In silico analysis supports that this missense variant does not alter protein structure/function; Has not been previously published as pathogenic or benign to our knowledge